The following is an entry in ClinVar:

ClinVar aggregate classification (germline): Benign. Review status: criteria provided, multiple submitters, no conflicts (2 of 4 stars). 3 submissions from 2 submitters: Benign (3). Last evaluated 2018-01-13.

Conditions:
Optic atrophy 3 (OPA3). Also called: OPTIC ATROPHY 3, AUTOSOMAL DOMINANT; Optic atrophy, cataract, and neurologic disorder; Optic atrophy 3 with cataract. Identifiers: Orphanet 67036, MedGen C1833809, MONDO:0008133, OMIM 165300.
3-Methylglutaconic aciduria type 3 (MGCA3). Also called: OPA3, AUTOSOMAL RECESSIVE; OPTIC ATROPHY 3, AUTOSOMAL RECESSIVE; Costeff Syndrome; OPA3-Related 3-Methylglutaconic Aciduria. Identifiers: Orphanet 67047, MedGen C0574084, MONDO:0009787, OMIM 258501.

Allele frequency attached by ClinVar (database versions not stated): gnomAD 0.76137 and 0.76682; TOPMed 0.76214; 1000 Genomes Project 30x 0.77155; 1000 Genomes Project 0.77536; gnomAD exomes 0.82432.
gnomAD v4.1: 116,464 of 152,042 alleles (77%); highest among the groups gnomAD compares: Middle Eastern, 86%; 44,737 homozygotes.

Submissions (3):

Illumina Laboratory Services, Illumina
Classification: Benign for Optic atrophy 3. Last evaluated: 2018-01-13. Review status: criteria provided, single submitter. Criteria: ICSL Variant Classification Criteria 13 December 2019. Collection method: clinical testing. Allele origin: germline.
Comment: This variant was observed in the ICSL laboratory as part of a predisposition screen in an ostensibly healthy population. It had not been previously curated by ICSL or reported in the Human Gene Mutation Database (HGMD: prior to June 1st, 2018), and was therefore a candidate for classification through an automated scoring system. Utilizing variant allele frequency, disease prevalence and penetrance estimates, and inheritance mode, an automated score was calculated to assess if this variant is too frequent to cause the disease. Based on the score and internal cut-off values, a variant classified as benign is not then subjected to further curation. The score for this variant resulted in a classification of benign for this disease.

Illumina Laboratory Services, Illumina
Classification: Benign for 3-Methylglutaconic aciduria type 3. Last evaluated: 2018-01-13. Review status: criteria provided, single submitter. Criteria: ICSL Variant Classification Criteria 13 December 2019. Collection method: clinical testing. Allele origin: germline.
Comment: the same text as in the submission from Illumina Laboratory Services, Illumina above.

Breakthrough Genomics
Classification: Benign. Review status: criteria provided, single submitter. Criteria: ACMG Guidelines, 2015. Collection method: not provided. Allele origin: germline. Inheritance: Autosomal recessive inheritance. Affected: yes.

NM_025136.4(OPA3):c.*6790T>C

Genes: OPA3 (outer mitochondrial membrane lipid metabolism regulator OPA3; minus strand), OPA3-RTN2 (OPA3-RTN2 readthrough; minus strand). Cytogenetic location: 19q13.32.
Variant type: single nucleotide variant.
Coding change: c.*6790T>C on transcript NM_025136.4 (MANE Select); 6790 bases downstream of the stop codon, T replaced by C.
Molecular consequence: 3 prime UTR variant. On other transcripts: intron variant (1).
Genome position (GRCh38, 1-based): chr19:45,546,724, A>G on the plus strand (T>C on the coding strand, the complement: OPA3 is on the minus strand). VCF-style: chr19-45546724-A-G. GRCh37 (hg19) VCF-style: chr19-46049982-A-G.
Other names: c.143-17268T>C (NM_001017989.3).
Identifiers: ClinVar variation 329556 (VCV000329556.6), dbSNP rs10422253, ClinGen allele CA10652080.